The following is an entry in ClinVar:

ClinVar aggregate classification (germline): Likely benign (1 of 4 stars; one submission).

Submission:

CeGaT Center for Human Genetics Tuebingen
Classification: Likely benign. Last evaluated: 2024-06-01. Review status: criteria provided, single submitter. Criteria: CeGaT Center For Human Genetics Tuebingen Variant Classification Criteria Version 2. Collection method: clinical testing. Allele origin: germline. Affected: yes. Observed: 1 variant allele.
Comment: KAT5: PM2:Supporting, BP4, BP7

NM_182710.3(KAT5):c.612C>T (p.Pro204=)

Gene: KAT5 (lysine acetyltransferase 5; plus strand). Cytogenetic location: 11q13.1.
Variant type: single nucleotide variant.
Coding change: c.612C>T on transcript NM_182710.3 (MANE Select); coding-DNA position 612, C replaced by T.
Protein change: p.Pro204=; no amino-acid change (proline 204 retained).
Molecular consequence: synonymous variant.
Genome position (GRCh38, 1-based): chr11:65,713,664, C>T. VCF-style: chr11-65713664-C-T. GRCh37 (hg19) VCF-style: chr11-65481135-C-T.
Other names: c.456C>T, p.Pro152= (NM_001206833.2); c.513C>T, p.Pro171= (NM_006388.4); c.357C>T, p.Pro119= (NM_182709.3).
Identifiers: ClinVar variation 3251053 (VCV003251053.18), dbSNP rs2495266837.